The following is an entry in ClinVar:

NM_004100.5(EYA4):c.923C>T (p.Ser308Phe)

Gene: EYA4 (EYA transcriptional coactivator and phosphatase 4; plus strand). Cytogenetic location: 6q23.2.
Variant type: single nucleotide variant.
Coding change: c.923C>T on transcript NM_004100.5 (MANE Select); coding-DNA position 923, C replaced by T.
Protein change: p.Ser308Phe; replaces serine 308 with phenylalanine.
Molecular consequence: missense variant.
Genome position (GRCh38, 1-based): chr6:133,468,684, C>T. VCF-style: chr6-133468684-C-T. GRCh37 (hg19) VCF-style: chr6-133789822-C-T.
Other names: c.761C>T, p.Ser254Phe (NM_001301012.2, NM_001370459.1); c.923C>T, p.Ser308Phe (NM_001301013.2, NM_172105.4); c.854C>T, p.Ser285Phe (NM_001370458.1, NM_172103.4); short protein forms S254F, S285F, S308F.
Identifiers: ClinVar variation 1766291 (VCV001766291.2), dbSNP rs368625402, ClinGen allele CA4008189.

ClinVar aggregate classification (germline): Uncertain significance (1 of 4 stars; one submission).

Conditions:
Cardiovascular phenotype. Identifiers: MedGen CN230736.

Allele frequency attached by ClinVar (database versions not stated): ExAC 0.00001; gnomAD 0.00001; ESP Exome Variant Server 0.00008.
gnomAD v4.1: 4 of 1,612,994 alleles (0.00025%); highest among the groups gnomAD compares: African/African-American, 0.0053%; no homozygotes.

Submission:

Ambry Genetics
Classification: Uncertain significance for Cardiovascular phenotype. Last evaluated: 2020-01-29. Review status: criteria provided, single submitter. Criteria: Ambry Variant Classification Scheme 2023. Collection method: clinical testing. Allele origin: germline.
Comment: The p.S308F variant (also known as c.923C>T), located in coding exon 10 of the EYA4 gene, results from a C to T substitution at nucleotide position 923. The serine at codon 308 is replaced by phenylalanine, an amino acid with highly dissimilar properties. This amino acid position is well conserved in available vertebrate species. In addition, the in silico prediction for this alteration is inconclusive. Since supporting evidence is limited at this time, the clinical significance of this alteration remains unclear.